The following is an entry in ClinVar:

ClinVar aggregate classification (germline): Uncertain significance (1 of 4 stars; one submission).

Submission:

Labcorp Genetics (formerly Invitae), Labcorp
Classification: Uncertain significance. Last evaluated: 2025-10-11. Review status: criteria provided, single submitter. Criteria: Invitae Variant Classification Sherloc (09022015). Collection method: clinical testing. Allele origin: germline.
Comment: This sequence change replaces aspartic acid, which is acidic and polar, with glutamic acid, which is acidic and polar, at codon 1921 of the PRPF8 protein (p.Asp1921Glu). This variant is not present in population databases (gnomAD no frequency). This variant has not been reported in the literature in individuals affected with PRPF8-related conditions. Invitae Evidence Modeling of protein sequence and biophysical properties (such as structural, functional, and spatial information, amino acid conservation, physicochemical variation, residue mobility, and thermodynamic stability) indicates that this missense variant is expected to disrupt PRPF8 protein function with a positive predictive value of 80%. In summary, the available evidence is currently insufficient to determine the role of this variant in disease. Therefore, it has been classified as a Variant of Uncertain Significance.

NM_006445.4(PRPF8):c.5763C>A (p.Asp1921Glu)

Gene: PRPF8 (pre-mRNA processing factor 8; minus strand). Cytogenetic location: 17p13.3.
Variant type: single nucleotide variant.
Coding change: c.5763C>A on transcript NM_006445.4 (MANE Select); coding-DNA position 5763, C replaced by A.
Protein change: p.Asp1921Glu; replaces aspartic acid 1921 with glutamic acid.
Molecular consequence: missense variant.
Genome position (GRCh38, 1-based): chr17:1,656,422, G>T on the plus strand (C>A on the coding strand, the complement: PRPF8 is on the minus strand). VCF-style: chr17-1656422-G-T. GRCh37 (hg19) VCF-style: chr17-1559716-G-T.
Other names: short protein forms D1921E.
Identifiers: ClinVar variation 4745197 (VCV004745197.1).
Genomic context (GRCh38, chr17:1,656,422, plus strand): 5'-CCAGCGATCTTCTCTTCCCGAGGTTCATACCGTGTAAGATGAAATAGTCTTGAGCCAGTC[G>T]TCATAGAGGTTGAAGAGAACCATCTGGGGCTCAGTGGCTTTAAGGATGAGATCCCCGAAT-3'
Protein context (NP_006436.3, residues 1911-1931): EPQMVLFNLY[Asp1921Glu]DWLKTISSYT